The following is an entry in ClinVar:

NM_172240.3(POC1B):c.434A>C (p.His145Pro)

Genes: POC1B (POC1 centriolar protein B; minus strand), POC1B-DUSP6 (POC1B-DUSP6 readthrough; minus strand). Cytogenetic location: 12q21.33.
Variant type: single nucleotide variant.
Coding change: c.434A>C on transcript NM_172240.3 (MANE Select); coding-DNA position 434, A replaced by C.
Protein change: p.His145Pro; replaces histidine 145 with proline.
Molecular consequence: missense variant. On other transcripts: non-coding transcript variant (2).
Genome position (GRCh38, 1-based): chr12:89,491,954, T>G on the plus strand (A>C on the coding strand, the complement: POC1B is on the minus strand). VCF-style: chr12-89491954-T-G. GRCh37 (hg19) VCF-style: chr12-89885731-T-G.
Other names: c.308A>C, p.His103Pro (NM_001199777.2); short protein forms H103P, H145P.
Identifiers: ClinVar variation 2776415 (VCV002776415.5), dbSNP rs947143409, ClinGen allele CA241172268.
Genomic context (GRCh38, chr12:89,491,954, plus strand): 5'-AAAAATATGTGGACATCTTAATATGAAATTTTTTGCACTTACTTGGCACAGCGTACCCAG[T>G]GTGTATGTCGATACAAGGAATACAGGAAGCGCTGGCGATACATGCTCCATACTTTTATGG-3'
Protein context (NP_758440.1, residues 135-155): RFLYSLYRHT[His145Pro]WVRCAKFSPD

ClinVar aggregate classification (germline): Uncertain significance. Review status: criteria provided, multiple submitters, no conflicts (2 of 4 stars). 3 submissions from 3 submitters: Uncertain significance (3). Last evaluated 2024-03-04.

Conditions:
Inborn genetic diseases. Identifiers: MedGen C0950123, MeSH D030342.

Allele frequency attached by ClinVar (database versions not stated): gnomAD 0.00001; TOPMed 0.00005.
gnomAD v4.1: 2 of 1,557,776 alleles (0.00013%); highest among the groups gnomAD compares: African/African-American, 0.0028%; no homozygotes.

Submissions (3):

Ambry Genetics
Classification: Uncertain significance for Inborn genetic diseases. Last evaluated: 2024-03-04. Review status: criteria provided, single submitter. Criteria: Ambry Variant Classification Scheme 2023. Collection method: clinical testing. Allele origin: germline.

Blueprint Genetics
Classification: Uncertain significance. Last evaluated: 2024-02-19. Review status: criteria provided, single submitter. Criteria: ACMG Guidelines, 2015. Collection method: clinical testing. Allele origin: germline.

Labcorp Genetics (formerly Invitae), Labcorp
Classification: Uncertain significance. Last evaluated: 2022-11-02. Review status: criteria provided, single submitter. Criteria: Invitae Variant Classification Sherloc (09022015). Collection method: clinical testing. Allele origin: germline.
Comment: In summary, the available evidence is currently insufficient to determine the role of this variant in disease. Therefore, it has been classified as a Variant of Uncertain Significance. Advanced modeling of protein sequence and biophysical properties (such as structural, functional, and spatial information, amino acid conservation, physicochemical variation, residue mobility, and thermodynamic stability) performed at Invitae indicates that this missense variant is not expected to disrupt POC1B protein function. This variant has not been reported in the literature in individuals affected with POC1B-related conditions. This variant is not present in population databases (gnomAD no frequency). This sequence change replaces histidine, which is basic and polar, with proline, which is neutral and non-polar, at codon 145 of the POC1B protein (p.His145Pro).